The following is an entry in ClinVar:

ClinVar aggregate classification (germline): Uncertain significance (1 of 4 stars; one submission).

Conditions:
Renal carnitine transport defect (CDSP). Also called: Systemic primary carnitine deficiency; CARNITINE DEFICIENCY, SYSTEMIC, DUE TO DEFECT IN RENAL REABSORPTION OF CARNITINE; CARNITINE TRANSPORTER, PLASMA-MEMBRANE, DEFICIENCY OF; CARNITINE UPTAKE DEFECT; Primary carnitine deficiency; Carnitine transporter deficiency. Identifiers: Orphanet 158, MedGen C0342788, MONDO:0008919, OMIM 212140.

gnomAD v4.1: 6 of 1,612,050 alleles (0.00037%); highest among the groups gnomAD compares: African/African-American, 0.0013%; no homozygotes.

Submission:

Labcorp Genetics (formerly Invitae), Labcorp
Classification: Uncertain significance for Renal carnitine transport defect. Last evaluated: 2022-07-02. Review status: criteria provided, single submitter. Criteria: Invitae Variant Classification Sherloc (09022015). Collection method: clinical testing. Allele origin: germline.
Comment: This sequence change replaces alanine, which is neutral and non-polar, with glycine, which is neutral and non-polar, at codon 44 of the SLC22A5 protein (p.Ala44Gly). This variant is present in population databases (rs199689597, gnomAD 0.007%). This variant has not been reported in the literature in individuals affected with SLC22A5-related conditions. Advanced modeling of protein sequence and biophysical properties (such as structural, functional, and spatial information, amino acid conservation, physicochemical variation, residue mobility, and thermodynamic stability) performed at Invitae indicates that this missense variant is not expected to disrupt SLC22A5 protein function. This variant disrupts the p.Ala44 amino acid residue in SLC22A5. Other variant(s) that disrupt this residue have been determined to be pathogenic (PMID: 23963628, 28711408, 28841266; Invitae). This suggests that this residue is clinically significant, and that variants that disrupt this residue are likely to be disease-causing. In summary, the available evidence is currently insufficient to determine the role of this variant in disease. Therefore, it has been classified as a Variant of Uncertain Significance.

Literature cited by the submitters: PubMed 23963628; PubMed 28711408; PubMed 28841266.

NM_003060.4(SLC22A5):c.131C>G (p.Ala44Gly)

Gene: SLC22A5 (solute carrier family 22 member 5; plus strand). Cytogenetic location: 5q31.1.
Variant type: single nucleotide variant.
Coding change: c.131C>G on transcript NM_003060.4 (MANE Select); coding-DNA position 131, C replaced by G.
Protein change: p.Ala44Gly; replaces alanine 44 with glycine.
Molecular consequence: missense variant.
Genome position (GRCh38, 1-based): chr5:132,370,103, C>G. VCF-style: chr5-132370103-C-G. GRCh37 (hg19) VCF-style: chr5-131705795-C-G.
Other names: c.131C>G, p.Ala44Gly (NM_001308122.2); short protein forms A44G.
Identifiers: ClinVar variation 2153523 (VCV002153523.1), dbSNP rs199689597, ClinGen allele CA3403793.
Genomic context (GRCh38, chr5:132,370,103, plus strand): 5'-TGCTCAGCGCCAGCATCATCCCCAATGGCTTCACCGGCCTGTCCTCCGTGTTCCTGATAG[C>G]GACCCCGGAGCACCGCTGCCGGGTGCCGGACGCCGCGAACCTGAGCAGCGCCTGGCGCAA-3'
Protein context (NP_003051.1, residues 34-54): FTGLSSVFLI[Ala44Gly]TPEHRCRVPD